The following is an entry in ClinVar:

NM_001129.5(AEBP1):c.79A>T (p.Thr27Ser)

Gene: AEBP1 (AE binding protein 1; plus strand). Cytogenetic location: 7p13.
Variant type: single nucleotide variant.
Coding change: c.79A>T on transcript NM_001129.5 (MANE Select); coding-DNA position 79, A replaced by T.
Protein change: p.Thr27Ser; replaces threonine 27 with serine.
Molecular consequence: missense variant.
Genome position (GRCh38, 1-based): chr7:44,104,744, A>T. VCF-style: chr7-44104744-A-T. GRCh37 (hg19) VCF-style: chr7-44144343-A-T.
Other names: short protein forms T27S.
Identifiers: ClinVar variation 2097529 (VCV002097529.4), dbSNP rs564360927, ClinGen allele CA4237410.

ClinVar aggregate classification (germline): Uncertain significance (1 of 4 stars; one submission).

Allele frequency attached by ClinVar (database versions not stated): gnomAD exomes below 0.00001; gnomAD 0.00001; ExAC 0.00002; TOPMed 0.00002; 1000 Genomes Project 0.00020; 1000 Genomes Project 30x 0.00031.
gnomAD v4.1: 4 of 1,611,276 alleles (0.00025%); highest among the groups gnomAD compares: African/African-American, 0.004%; no homozygotes.

Submission:

Labcorp Genetics (formerly Invitae), Labcorp
Classification: Uncertain significance. Last evaluated: 2022-08-16. Review status: criteria provided, single submitter. Criteria: Invitae Variant Classification Sherloc (09022015). Collection method: clinical testing. Allele origin: germline.
Comment: In summary, the available evidence is currently insufficient to determine the role of this variant in disease. Therefore, it has been classified as a Variant of Uncertain Significance. Algorithms developed to predict the effect of missense changes on protein structure and function are either unavailable or do not agree on the potential impact of this missense change (SIFT: "Deleterious"; PolyPhen-2: "Not Available"; Align-GVGD: "Class C0"). This variant has not been reported in the literature in individuals affected with AEBP1-related conditions. This variant is present in population databases (rs564360927, gnomAD 0.01%). This sequence change replaces threonine, which is neutral and polar, with serine, which is neutral and polar, at codon 27 of the AEBP1 protein (p.Thr27Ser).